The following is an entry in ClinVar:

NM_000153.4(GALC):c.838A>C (p.Asn280His)

Gene: GALC (galactosylceramidase; minus strand). Cytogenetic location: 14q31.3.
Variant type: single nucleotide variant.
Coding change: c.838A>C on transcript NM_000153.4 (MANE Select); coding-DNA position 838, A replaced by C.
Protein change: p.Asn280His; replaces asparagine 280 with histidine.
Molecular consequence: missense variant. On other transcripts: non-coding transcript variant (1).
Genome position (GRCh38, 1-based): chr14:87,968,405, T>G on the plus strand (A>C on the coding strand, the complement: GALC is on the minus strand). VCF-style: chr14-87968405-T-G. GRCh37 (hg19) VCF-style: chr14-88434749-T-G.
Other names: c.769A>C, p.Asn257His (NM_001201401.2); c.760A>C, p.Asn254His (NM_001201402.2); c.670A>C, p.Asn224His (NM_001424071.1, NM_001424072.1, NM_001424073.1); c.490A>C, p.Asn164His (NM_001424074.1, NM_001424075.1); c.205A>C, p.Asn69His (NM_001424076.1, NM_001424077.1); short protein forms N164H, N224H, N254H, N257H, N280H, N69H.
Identifiers: ClinVar variation 3731336 (VCV003731336.1).

ClinVar aggregate classification (germline): Uncertain significance (1 of 4 stars; one submission).

Conditions:
Galactosylceramide beta-galactosidase deficiency. Also called: Leukodystrophy, Globoid Cell; Krabbe Disease; GALACTOCEREBROSIDASE DEFICIENCY; GALC DEFICIENCY; GLOBOID CELL LEUKOENCEPHALOPATHY. Identifiers: Orphanet 487, MedGen C0023521, MONDO:0009499, OMIM 245200.

Submission:

Neuberg Centre For Genomic Medicine, NCGM
Classification: Uncertain significance for Galactosylceramide beta-galactosidase deficiency. Last evaluated: 2023-06-22. Review status: criteria provided, single submitter. Criteria: ACMG Guidelines, 2015. Collection method: clinical testing. Allele origin: germline. Inheritance: Autosomal recessive inheritance. Affected: yes.
Comment: The observed missense variant c.838A>C(p.Asn280His) in GALC gene has not been reported previously as a pathogenic variant nor as a benign variant, to our knowledge. This variant is absent in gnomAD Exomes. The amino acid Asn at position 280 is changed to a His changing protein sequence and it might alter its composition and physico-chemical properties. Computational evidence (Polyphen-probably damaging, SIFT-Tolerated and MutationTaster-disease causing) predicts conflicting evidence on protein structure and function for this variant. The reference amino acid p.Asn280His in GALC is predicted as conserved by GERP++ and PhyloP across 100 vertebrates. For these reasons, this variant has been classified as Uncertain Significance.